The following is an entry in ClinVar:

NM_000138.5(FBN1):c.5218A>G (p.Ser1740Gly)

Gene: FBN1 (fibrillin 1; minus strand). Cytogenetic location: 15q21.1.
Variant type: single nucleotide variant.
Coding change: c.5218A>G on transcript NM_000138.5 (MANE Select); coding-DNA position 5218, A replaced by G.
Protein change: p.Ser1740Gly; replaces serine 1740 with glycine.
Molecular consequence: missense variant.
Genome position (GRCh38, 1-based): chr15:48,463,088, T>C on the plus strand (A>G on the coding strand, the complement: FBN1 is on the minus strand). VCF-style: chr15-48463088-T-C. GRCh37 (hg19) VCF-style: chr15-48755285-T-C.
Other names: short protein forms S1740G.
Identifiers: ClinVar variation 1305657 (VCV001305657.2), dbSNP rs2141266497, ClinGen allele CA392348942.

ClinVar aggregate classification (germline): Uncertain significance (1 of 4 stars; one submission).

Submission:

GeneDx
Classification: Uncertain significance. Last evaluated: 2019-05-07. Review status: criteria provided, single submitter. Criteria: GeneDx Variant Classification Process June 2021. Collection method: clinical testing. Allele origin: germline. Affected: yes.
Comment: Has not been previously published as pathogenic or benign to our knowledge; Not observed in large population cohorts (Lek et al., 2016); Does not affect a cysteine residue within a calcium-binding EGF-like domain of the FBN1 gene; cysteine substitutions in the calcium-binding EGF-like domains represent the majority of pathogenic missense changes associated with FBN1-related disorders (Collod-Beroud et al., 2003); In silico analysis, which includes splice predictors and evolutionary conservation, supports a deleterious effect as this variant is predicted to create a cryptic splice donor site upstream of the natural splice donor site; however, in the absence of functional mRNA studies, the physiological consequence of this variant cannot be precisely determined